The following is an entry in ClinVar:

ClinVar aggregate classification (germline): Uncertain significance (0 of 4 stars; one submission).

Conditions:
IFT172-related disorder. Also called: IFT172-related disorders; IFT172-related condition.

Submission:

PreventionGenetics, part of Exact Sciences
Classification: Uncertain significance for IFT172-related condition. Last evaluated: 2024-02-07. Review status: no assertion criteria provided. Collection method: clinical testing. Allele origin: germline.
Comment: The IFT172 c.2351G>T variant is predicted to result in the amino acid substitution p.Arg784Leu. To our knowledge, this variant has not been reported in the literature or in a large population database, indicating this variant is rare. At this time, the clinical significance of this variant is uncertain due to the absence of conclusive functional and genetic evidence.

NM_015662.3(IFT172):c.2351G>T (p.Arg784Leu)

Gene: IFT172 (intraflagellar transport 172; minus strand). Cytogenetic location: 2p23.3.
Variant type: single nucleotide variant.
Coding change: c.2351G>T on transcript NM_015662.3 (MANE Select); coding-DNA position 2351, G replaced by T.
Protein change: p.Arg784Leu; replaces arginine 784 with leucine.
Molecular consequence: missense variant.
Genome position (GRCh38, 1-based): chr2:27,461,360, C>A on the plus strand (G>T on the coding strand, the complement: IFT172 is on the minus strand). VCF-style: chr2-27461360-C-A. GRCh37 (hg19) VCF-style: chr2-27684227-C-A.
Other names: c.2285G>T, p.Arg762Leu (NM_001410739.1); short protein forms R762L, R784L.
Identifiers: ClinVar variation 3348490 (VCV003348490.1).
Genomic context (GRCh38, chr2:27,461,360, plus strand): 5'-GCAGTGATGTGTTCTACCAGCTCTGTGTTGGCTAGCAGTTCCTCTCGGGTCAGCACCAGC[C>A]GAGCAGCTTTGGCAGGGAGCCCAGCTTTGAGGTAGAGGCTGATGGCTGCTAGCCCATCCC-3'
Protein context (NP_056477.1, residues 774-794): LKAGLPAKAA[Arg784Leu]LVLTREELLA